The following is an entry in ClinVar:

NM_003590.5(CUL3):c.531_533del (p.Val178del)

Gene: CUL3 (cullin 3; minus strand). Cytogenetic location: 2q36.2.
Variant type: Deletion.
Coding change: c.531_533del on transcript NM_003590.5 (MANE Select); coding-DNA positions 531 to 533, 3 bases deleted (CGT; older notation c.531_533delCGT).
Protein change: p.Val178del; deletes valine 178.
Molecular consequence: inframe deletion.
Genome position (GRCh38, 1-based): chr2:224,514,618-224,514,620, ACG deleted on the plus strand (CGT on the coding strand, the reverse complement: CUL3 is on the minus strand); deleting any 3 consecutive bases within chr2:224,514,618-224,514,622 gives the same sequence; the c. name uses the placement nearest the transcript's 3' end. VCF-style (leftmost placement, unchanged base first): chr2-224514617-TACG-T. GRCh37 (hg19) VCF-style: chr2-225379334-TACG-T.
Other names: c.333_335del, p.Val112del (NM_001257197.2); c.549_551del, p.Val184del (NM_001257198.2); short protein forms V112del, V184del, V178del.
Identifiers: ClinVar variation 2429068 (VCV002429068.4), dbSNP rs2470003679, ClinGen allele CA2580065956.

ClinVar aggregate classification (germline): Uncertain significance (1 of 4 stars; one submission).

Submission:

Greenwood Genetic Center Diagnostic Laboratories, Greenwood Genetic Center
Classification: Uncertain significance. Last evaluated: 2022-10-03. Review status: criteria provided, single submitter. Criteria: ACMG Guidelines, 2015. Collection method: clinical testing. Allele origin: germline. Affected: yes.
Comment: PM2, PM4